The following is an entry in ClinVar:

ClinVar aggregate classification (germline): Uncertain significance. Review status: criteria provided, multiple submitters, no conflicts (2 of 4 stars). 3 submissions from 3 submitters: Uncertain significance (2). 1 of the submissions does not count toward it. Last evaluated 2024-11-21.

Conditions:
Meniere disease. Also called: Ménière's disease. Identifiers: MedGen C0025281, MONDO:0007972, OMIM 156000.

Allele frequency attached by ClinVar (database versions not stated): ExAC 0.00003.
gnomAD v4.1: 45 of 1,573,828 alleles (0.0029%); highest among the groups gnomAD compares: Admixed American, 0.017%; no homozygotes.

Submissions (3):

Ambry Genetics
Classification: Uncertain significance. Last evaluated: 2024-11-21. Review status: criteria provided, single submitter. Criteria: Ambry Variant Classification Scheme 2023. Collection method: clinical testing. Allele origin: germline.

Labcorp Genetics (formerly Invitae), Labcorp
Classification: Uncertain significance. Last evaluated: 2021-10-10. Review status: criteria provided, single submitter. Criteria: Invitae Variant Classification Sherloc (09022015). Collection method: clinical testing. Allele origin: germline.
Comment: In summary, the available evidence is currently insufficient to determine the role of this variant in disease. Therefore, it has been classified as a Variant of Uncertain Significance. Algorithms developed to predict the effect of missense changes on protein structure and function are either unavailable or do not agree on the potential impact of this missense change (SIFT: "Deleterious"; PolyPhen-2: "Probably Damaging"; Align-GVGD: "Class C0"). This variant has not been reported in the literature in individuals affected with EPS8L2-related conditions. This variant is present in population databases (rs766514830, ExAC 0.005%). This sequence change replaces arginine with tryptophan at codon 272 of the EPS8L2 protein (p.Arg272Trp). The arginine residue is highly conserved and there is a moderate physicochemical difference between arginine and tryptophan.

Center for Computational Biology & Bioinformatics, University of California, San Diego
Classification: Uncertain significance for Meniere disease. Last evaluated: 2024-06-03. Review status: no assertion criteria provided. Collection method: research. Allele origin: germline. Affected: yes. Not counted in ClinVar's aggregate classification.

NM_022772.4(EPS8L2):c.814C>T (p.Arg272Trp)

Gene: EPS8L2 (EPS8 signaling adaptor L2; plus strand). Cytogenetic location: 11p15.5.
Variant type: single nucleotide variant.
Coding change: c.814C>T on transcript NM_022772.4 (MANE Select); coding-DNA position 814, C replaced by T.
Protein change: p.Arg272Trp; replaces arginine 272 with tryptophan.
Molecular consequence: missense variant.
Genome position (GRCh38, 1-based): chr11:721,610, C>T. VCF-style: chr11-721610-C-T. GRCh37 (hg19) VCF-style: chr11-721610-C-T.
Other names: c.814C>T (NM_022772.3); short protein forms R272W.
Identifiers: ClinVar variation 1361707 (VCV001361707.7), dbSNP rs766514830, ClinGen allele CA5787274.